The following is an entry in ClinVar:

ClinVar aggregate classification (germline): Likely benign (1 of 4 stars; one submission).

Submission:

CeGaT Center for Human Genetics Tuebingen
Classification: Likely benign. Last evaluated: 2025-10-01. Review status: criteria provided, single submitter. Criteria: CeGaT Center For Human Genetics Tuebingen Variant Classification Criteria Version 2. Collection method: clinical testing. Allele origin: germline. Affected: yes. Observed: 3 variant alleles.
Comment: MUC4: BP4, BP7

NM_018406.7(MUC4):c.3948C>T (p.Thr1316=)

Gene: MUC4 (mucin 4, cell surface associated). Cytogenetic location: 3q29.
Variant type: single nucleotide variant.
Coding change: c.3948C>T on transcript NM_018406.7 (MANE Select); coding-DNA position 3948, C replaced by T.
Protein change: p.Thr1316=; no amino-acid change (threonine 1316 retained).
Molecular consequence: synonymous variant. On other transcripts: genic upstream transcript variant (2).
Genome position (GRCh38, 1-based): chr3:195,787,632, G>A on the plus strand (C>T on the coding strand, the complement: MUC4 is on the minus strand). VCF-style: chr3-195787632-G-A. GRCh37 (hg19) VCF-style: chr3-195514503-G-A.
Other names: c.4875C>T, p.Thr1625= (NM_001322468.1); c.83-13327C>T (NM_138297.5); c.83-9177C>T (NM_004532.6).
Identifiers: ClinVar variation 2654477 (VCV002654477.24), dbSNP rs1376647638, ClinGen allele CA438042511.